The following is an entry in ClinVar:

NM_052876.4(NACC1):c.1120+5G>A

Gene: NACC1 (nucleus accumbens associated 1; plus strand). Cytogenetic location: 19p13.13.
Variant type: single nucleotide variant.
Coding change: c.1120+5G>A on transcript NM_052876.4 (MANE Select); 5 bases into the intron after coding-DNA position 1120, G replaced by A.
Molecular consequence: intron variant.
Genome position (GRCh38, 1-based): chr19:13,136,410, G>A. VCF-style: chr19-13136410-G-A. GRCh37 (hg19) VCF-style: chr19-13247224-G-A.
Identifiers: ClinVar variation 1598181 (VCV001598181.9), dbSNP rs563834131, ClinGen allele CA9238404.

ClinVar aggregate classification (germline): Benign/Likely benign. Review status: criteria provided, multiple submitters, no conflicts (2 of 4 stars). 2 submissions from 2 submitters: Benign (1); Likely benign (1). Last evaluated 2026-05-20.

Allele frequency attached by ClinVar (database versions not stated): gnomAD 0.00002 and 0.00009; gnomAD exomes 0.00012 and 0.00034; TOPMed 0.00004; ExAC 0.00040; 1000 Genomes Project 30x 0.00062; 1000 Genomes Project 0.00060.

Submissions (2):

Women's Health and Genetics/Laboratory Corporation of America, LabCorp
Classification: Benign. Last evaluated: 2026-05-20. Review status: criteria provided, single submitter. Criteria: LabCorp Variant Classification Summary - May 2015. Collection method: clinical testing. Allele origin: germline.
Comment: Variant summary: NACC1 c.1120+5G>A alters a nucleotide located close to a canonical splice site and therefore could affect mRNA splicing, leading to a significantly altered protein sequence. Several computational tools predict a significant impact on normal splicing: Two predict the variant abolishes a 5' splicing donor site. Three predict the variant weakens a 5' donor site. However, these predictions have yet to be confirmed by functional studies. The variant allele was found at a frequency of 0.00034 in 245134 control chromosomes, predominantly at a frequency of 0.0027 within the South Asian subpopulation in the gnomAD database, including one homozygote. The observed variant frequency within South Asian control individuals in the gnomAD database exceeds the estimated maximal expected allele frequency for disease-causing variants in NACC1. To our knowledge, no occurrence of c.1120+5G>A in individuals affected with NACC1-related conditions and no experimental evidence demonstrating its impact on protein function have been reported. ClinVar contains an entry for this variant (Variation ID: 1598181). Based on the evidence outlined above, the variant was classified as benign.

Labcorp Genetics (formerly Invitae), Labcorp
Classification: Likely benign. Last evaluated: 2025-08-15. Review status: criteria provided, single submitter. Criteria: Invitae Variant Classification Sherloc (09022015). Collection method: clinical testing. Allele origin: germline.